The following is an entry in ClinVar:

NM_003664.5(AP3B1):c.1984C>G (p.Pro662Ala)

Gene: AP3B1 (adaptor related protein complex 3 subunit beta 1; minus strand). Cytogenetic location: 5q14.1.
Variant type: single nucleotide variant.
Coding change: c.1984C>G on transcript NM_003664.5 (MANE Select); coding-DNA position 1984, C replaced by G.
Protein change: p.Pro662Ala; replaces proline 662 with alanine.
Molecular consequence: missense variant.
Genome position (GRCh38, 1-based): chr5:78,116,219, G>C on the plus strand (C>G on the coding strand, the complement: AP3B1 is on the minus strand). VCF-style: chr5-78116219-G-C. GRCh37 (hg19) VCF-style: chr5-77412043-G-C.
Other names: c.1837C>G, p.Pro613Ala (NM_001271769.2); short protein forms P662A, P613A.
Identifiers: ClinVar variation 354234 (VCV000354234.12), dbSNP rs749489841, ClinGen allele CA3316898.

ClinVar aggregate classification (germline): Uncertain significance. Review status: criteria provided, multiple submitters, no conflicts (2 of 4 stars). 4 submissions from 4 submitters: Uncertain significance (4). Last evaluated 2024-10-31.

Conditions:
Autoinflammatory syndrome. Identifiers: Orphanet 93665, MedGen C3890737, MONDO:0019751.
Hermansky-Pudlak syndrome 2 (HPS2). Also called: Platelet defects and oculocutaneous albinism. Identifiers: Orphanet 183678, Orphanet 79430, MedGen C1842362, MONDO:0011997, OMIM 608233.

Allele frequency attached by ClinVar (database versions not stated): gnomAD below 0.00001 and 0.00001; ExAC 0.00003; gnomAD exomes 0.00005.
gnomAD v4.1: 47 of 1,613,268 alleles (0.0029%); highest among the groups gnomAD compares: South Asian, 0.048%; 1 homozygote.

Submissions (4):

Labcorp Genetics (formerly Invitae), Labcorp
Classification: Uncertain significance for Hermansky-Pudlak syndrome 2. Last evaluated: 2024-10-31. Review status: criteria provided, single submitter. Criteria: Invitae Variant Classification Sherloc (09022015). Collection method: clinical testing. Allele origin: germline.
Comment: This sequence change replaces proline, which is neutral and non-polar, with alanine, which is neutral and non-polar, at codon 662 of the AP3B1 protein (p.Pro662Ala). This variant is present in population databases (rs749489841, gnomAD 0.04%). This variant has not been reported in the literature in individuals affected with AP3B1-related conditions. ClinVar contains an entry for this variant (Variation ID: 354234). An algorithm developed to predict the effect of missense changes on protein structure and function (PolyPhen-2) suggests that this variant is likely to be tolerated. In summary, the available evidence is currently insufficient to determine the role of this variant in disease. Therefore, it has been classified as a Variant of Uncertain Significance.

Blueprint Genetics
Classification: Uncertain significance. Last evaluated: 2024-09-06. Review status: criteria provided, single submitter. Criteria: ACMG Guidelines, 2015. Collection method: clinical testing. Allele origin: germline.

Genome Diagnostics Laboratory, The Hospital for Sick Children
Classification: Uncertain significance for Autoinflammatory syndrome. Last evaluated: 2019-05-01. Review status: criteria provided, single submitter. Criteria: ACMG Guidelines, 2015. Collection method: clinical testing. Allele origin: germline. Affected: yes.

Illumina Laboratory Services, Illumina
Classification: Uncertain significance for Hermansky-Pudlak syndrome 2. Last evaluated: 2018-01-12. Review status: criteria provided, single submitter. Criteria: ICSL Variant Classification Criteria 13 December 2019. Collection method: clinical testing. Allele origin: germline.